The following is an entry in ClinVar:

NM_020843.4(SCAPER):c.1926A>C (p.Leu642Phe)

Gene: SCAPER (S-phase cyclin A associated protein in the ER; minus strand). Cytogenetic location: 15q24.3.
Variant type: single nucleotide variant.
Coding change: c.1926A>C on transcript NM_020843.4 (MANE Select); coding-DNA position 1926, A replaced by C.
Protein change: p.Leu642Phe; replaces leucine 642 with phenylalanine.
Molecular consequence: missense variant. On other transcripts: non-coding transcript variant (1).
Genome position (GRCh38, 1-based): chr15:76,733,325, T>G on the plus strand (A>C on the coding strand, the complement: SCAPER is on the minus strand). VCF-style: chr15-76733325-T-G. GRCh37 (hg19) VCF-style: chr15-77025666-T-G.
Other names: c.1188A>C, p.Leu396Phe (NM_001145923.2); c.1944A>C, p.Leu648Phe (NM_001353009.2); c.1524A>C, p.Leu508Phe (NM_001353010.2, NM_001353012.2); c.1542A>C, p.Leu514Phe (NM_001353011.2); short protein forms L514F, L648F, L642F, L508F, L396F.
Identifiers: ClinVar variation 4998701 (VCV004998701.1).

ClinVar aggregate classification (germline): Uncertain significance (1 of 4 stars; one submission).

Conditions:
SCAPER-related disorder. Also called: SCAPER-related condition.

Submission:

PreventionGenetics, part of Exact Sciences
Classification: Uncertain significance for SCAPER-related condition. Last evaluated: 2025-07-31. Review status: criteria provided, single submitter. Criteria: ACMG Guidelines, 2015. Collection method: clinical testing. Allele origin: germline.
Comment: The SCAPER c.1944A>C variant is predicted to result in the amino acid substitution p.Leu648Phe. To our knowledge, this variant has not been reported in the literature or in a large population database (gnomAD), indicating this variant is rare. At this time, the clinical significance of this variant is uncertain due to the absence of conclusive functional and genetic evidence.